The following is an entry in ClinVar:

NM_002439.5(MSH3):c.1874T>A (p.Leu625His)

Gene: MSH3 (mutS homolog 3; plus strand). Cytogenetic location: 5q14.1.
Variant type: single nucleotide variant.
Coding change: c.1874T>A on transcript NM_002439.5 (MANE Select); coding-DNA position 1874, T replaced by A.
Protein change: p.Leu625His; replaces leucine 625 with histidine.
Molecular consequence: missense variant.
Genome position (GRCh38, 1-based): chr5:80,761,656, T>A. VCF-style: chr5-80761656-T-A. GRCh37 (hg19) VCF-style: chr5-80057475-T-A.
Other names: short protein forms L625H.
Identifiers: ClinVar variation 3648945 (VCV003648945.2).

ClinVar aggregate classification (germline): Uncertain significance (1 of 4 stars; one submission).

Submission:

Labcorp Genetics (formerly Invitae), Labcorp
Classification: Uncertain significance. Last evaluated: 2025-07-08. Review status: criteria provided, single submitter. Criteria: Invitae Variant Classification Sherloc (09022015). Collection method: clinical testing. Allele origin: germline.
Comment: This sequence change replaces leucine, which is neutral and non-polar, with histidine, which is basic and polar, at codon 625 of the MSH3 protein (p.Leu625His). This variant is not present in population databases (gnomAD no frequency). This variant has not been reported in the literature in individuals affected with MSH3-related conditions. ClinVar contains an entry for this variant (Variation ID: 3648945). An algorithm developed to predict the effect of missense changes on protein structure and function (PolyPhen-2) suggests that this variant is likely to be disruptive. In summary, the available evidence is currently insufficient to determine the role of this variant in disease. Therefore, it has been classified as a Variant of Uncertain Significance.